The following is an entry in ClinVar:

ClinVar aggregate classification (germline): Pathogenic (1 of 4 stars; one submission).

Conditions:
Neurodevelopmental disorder with or without anomalies of the brain, eye, or heart (NEDBEH). Identifiers: Orphanet 494344, MedGen C5567477, MONDO:0014857, OMIM 616975.

Submission:

Daryl Scott Lab, Baylor College of Medicine
Classification: Pathogenic for Neurodevelopmental disorder with or without anomalies of the brain, eye, or heart. Last evaluated: 2025-08-05. Review status: criteria provided, single submitter. Criteria: ACMG/ClinGen CNV Guidelines, 2019. Collection method: clinical testing. Allele origin: de novo. Inheritance: Autosomal dominant inheritance. Affected: yes. Observed: 1 variant allele, 1 heterozygote.
Comment: 1A,2C-1,5A (4C) (1) Deletes exons 3-11 of RERE

GRCh37/hg19 1p36.23(chr1:8555122-8716257)x1

Gene: RERE (arginine-glutamic acid dipeptide repeats; minus strand). Cytogenetic location: 1p36.23.
Variant type: copy number loss.
Change: copy number 1 (one copy instead of two) of chr1:8,555,122-8,716,257 (161.1 kb, GRCh37 coordinates, 1-based), cytogenetic band 1p36.23.
Identifiers: ClinVar variation 4073711 (VCV004073711.1).